The following is an entry in ClinVar:

ClinVar aggregate classification (germline): Pathogenic/Likely pathogenic. Review status: criteria provided, multiple submitters, no conflicts (2 of 4 stars). 6 submissions from 6 submitters: Pathogenic (4); Likely pathogenic (1). 1 of the submissions does not count toward it. Last evaluated 2026-10-21.

Conditions:
Primary ciliary dyskinesia 13. Also called: CILIARY DYSKINESIA, PRIMARY, 13, WITH OR WITHOUT SITUS INVERSUS. Identifiers: Orphanet 244, MedGen C2750790, MONDO:0013174, OMIM 613193.
DNAAF1-related disorders.
Primary ciliary dyskinesia. Also called: Ciliary dyskinesia. Identifiers: Orphanet 244, MedGen C0008780, MONDO:0016575, HP:0012265.
DNAAF1-related disorder. Also called: DNAAF1-related condition.

Submissions (6):

GeneDx
Classification: Pathogenic. Last evaluated: 2026-10-21. Review status: criteria provided, single submitter. Criteria: GeneDx Variant Classification Process June 2021. Collection method: clinical testing. Allele origin: germline.
Comment: Frameshift variant predicted to result in protein truncation or nonsense mediated decay in a gene for which loss of function is a known mechanism of disease; This variant is associated with the following publications: (PMID: 19944400, 19944405, Carretero-Vilarroig2024[casereport], 27996046)

Labcorp Genetics (formerly Invitae), Labcorp
Classification: Pathogenic for Primary ciliary dyskinesia. Last evaluated: 2025-05-06. Review status: criteria provided, single submitter. Criteria: Invitae Variant Classification Sherloc (09022015). Collection method: clinical testing. Allele origin: germline.
Comment: This sequence change creates a premature translational stop signal (p.Gly434Profs*4) in the DNAAF1 gene. It is expected to result in an absent or disrupted protein product. Loss-of-function variants in DNAAF1 are known to be pathogenic (PMID: 19944400, 19944405). This variant is present in population databases (rs745495583, gnomAD 0.006%). This premature translational stop signal has been observed in individual(s) with primary ciliary dyskinesia (PMID: 19944405). ClinVar contains an entry for this variant (Variation ID: 525404). For these reasons, this variant has been classified as Pathogenic.

Blueprint Genetics
Classification: Pathogenic for DNAAF1-related disorders. Last evaluated: 2024-10-30. Review status: criteria provided, single submitter. Criteria: ACMG Guidelines, 2015. Collection method: clinical testing. Allele origin: germline. Affected: yes. Observed: 5 variant alleles.

Fulgent Genetics
Classification: Likely pathogenic for Primary ciliary dyskinesia 13. Last evaluated: 2023-12-29. Review status: criteria provided, single submitter. Criteria: ACMG Guidelines, 2015. Collection method: clinical testing. Allele origin: germline.

Ambry Genetics
Classification: Pathogenic for Primary ciliary dyskinesia. Last evaluated: 2021-08-24. Review status: criteria provided, single submitter. Criteria: Ambry Variant Classification Scheme 2023. Collection method: clinical testing. Allele origin: germline.
Comment: The c.1300_1322del23 pathogenic mutation, located in coding exon 8 of the DNAAF1 gene, results from a deletion of 23 nucleotides at nucleotide positions 1300 to 1322, causing a translational frameshift with a predicted alternate stop codon (p.G434Pfs*4). This alteration was detected along with another DNAAF1 translational frameshift mutation in an individual with primary ciliary dyskinesia (PCD) (Duquesnoy P et al. Am J Hum Genet, 2009 Dec;85:890-6). This alteration is expected to result in loss of function by premature protein truncation or nonsense-mediated mRNA decay. As such, this alteration is interpreted as a disease-causing mutation.

PreventionGenetics, part of Exact Sciences
Classification: Likely pathogenic for DNAAF1-related condition. Last evaluated: 2024-01-12. Review status: no assertion criteria provided. Collection method: clinical testing. Allele origin: germline. Not counted in ClinVar's aggregate classification.
Comment: The DNAAF1 c.1300_1322del23 variant is predicted to result in a frameshift and premature protein termination (p.Gly434Profs*4). This variant has been reported with a second DNAAF1 variant in an individual with primary ciliary dyskinesia (Duquesnoy et al. 2009. PubMed ID: 19944405) and in the heterozygous state in an individual with testicular cancer (Litchfield et al. 2016. PubMed ID: 27996046). At PreventionGenetics, this variant has been detected in the homozygous state in individuals who received testing for ciliopathies (Internal Data). This variant is reported in 0.0062% of alleles in individuals of European (non-Finnish) descent in gnomAD. Frameshift variants in DNAAF1 are expected to be pathogenic. This variant is interpreted as likely pathogenic.

Literature cited by the submitters: PubMed 19944400 (cited by Labcorp Genetics (formerly Invitae), Labcorp); PubMed 19944405 (cited by Labcorp Genetics (formerly Invitae), Labcorp and Ambry Genetics).

NM_178452.6(DNAAF1):c.1300_1322del (p.Gly434fs)

Gene: DNAAF1 (dynein axonemal assembly factor 1; plus strand). Cytogenetic location: 16q24.1.
Variant type: Deletion.
Coding change: c.1300_1322del on transcript NM_178452.6 (MANE Select); coding-DNA positions 1300 to 1322, 23 bases deleted (GGAGATGGAGAGCCAGAGGGGAC).
Protein change: p.Gly434fs; shifts the reading frame from glycine 434.
Molecular consequence: frameshift variant.
Genome position (GRCh38, 1-based): chr16:84,170,128-84,170,150, GGAGATGGAGAGCCAGAGGGGAC deleted; deleting any 23 consecutive bases within chr16:84,170,124-84,170,150 gives the same sequence; the c. name uses the placement nearest the transcript's 3' end. VCF-style (leftmost placement, unchanged base first): chr16-84170123-AGGACGGAGATGGAGAGCCAGAGG-A. GRCh37 (hg19) VCF-style: chr16-84203729-AGGACGGAGATGGAGAGCCAGAGG-A.
Other names: c.1300_1322del (NM_178452.4); c.592_614del, p.Gly198fs (NM_001318756.1); c.1300_1322del23 (NM_178452.5); short protein forms G434fs, G198fs.
Identifiers: ClinVar variation 525404 (VCV000525404.20), dbSNP rs745495583, ClinGen allele CA8202816.